The following is an entry in ClinVar:

ClinVar aggregate classification (germline): Uncertain significance (1 of 4 stars; one submission).

gnomAD v4.1: 2 of 1,305,126 alleles (0.00015%); highest among the groups gnomAD compares: Non-Finnish European, 0.00022%; no homozygotes.

Submission:

GeneDx
Classification: Uncertain significance. Last evaluated: 2024-01-04. Review status: criteria provided, single submitter. Criteria: GeneDx Variant Classification Process June 2021. Collection method: clinical testing. Allele origin: germline. Affected: yes.
Comment: Not observed at significant frequency in large population cohorts (gnomAD); In silico analysis supports that this missense variant has a deleterious effect on protein structure/function; Has not been previously published as pathogenic or benign to our knowledge

NM_001395159.1(UNC79):c.6062C>A (p.Pro2021His)

Gene: UNC79 (unc-79 homolog, NALCN channel complex subunit; plus strand). Cytogenetic location: 14q32.12.
Variant type: single nucleotide variant.
Coding change: c.6062C>A on transcript NM_001395159.1 (MANE Select); coding-DNA position 6062, C replaced by A.
Protein change: p.Pro2021His; replaces proline 2021 with histidine.
Molecular consequence: missense variant.
Genome position (GRCh38, 1-based): chr14:93,637,228, C>A. VCF-style: chr14-93637228-C-A. GRCh37 (hg19) VCF-style: chr14-94103574-C-A.
Other names: c.5996C>A, p.Pro1999His (NM_001346218.2); c.5315C>A, p.Pro1772His (NM_020818.5); short protein forms P1772H, P1999H, P2021H.
Identifiers: ClinVar variation 3367317 (VCV003367317.1).